The following is an entry in ClinVar:

ClinVar aggregate classification (germline): Uncertain significance (1 of 4 stars; one submission).

Conditions:
Fanconi anemia complementation group A (FANCA). Also called: Fanconi anemia, group A; FANCA-Related Fanconi Anemia. Identifiers: Orphanet 84, MedGen C3469521, MONDO:0009215, OMIM 227650.

gnomAD v4.1: 2 of 1,614,166 alleles (0.00012%); highest among the groups gnomAD compares: Non-Finnish European, 0.000085%; no homozygotes.

Submission:

Myriad Genetics, Inc.
Classification: Uncertain significance for Fanconi anemia complementation group A. Last evaluated: 2025-12-22. Review status: criteria provided, single submitter. Criteria: Myriad Autosomal Dominant, Autosomal Recessive and X-Linked Classification Criteria (2023). Collection method: clinical testing. Allele origin: unknown.
Comment: NM_000135.2(FANCA):c.3026G>A(G1009D) is a missense variant classified as a variant of uncertain significance in the context of Fanconi anemia complementation group A. G1009D has been observed in cases with relevant disease (PMID: 33224012, 30637794). Relevant functional assessments of this variant are not available in the literature. G1009D has been observed in referenced population frequency databases. In summary, there is insufficient evidence to classify NM_000135.2(FANCA):c.3026G>A(G1009D) as pathogenic or benign. Please note: this variant was assessed in the context of healthy population screening.

Literature cited by the submitters: PubMed 30637794; PubMed 33224012.

NM_000135.4(FANCA):c.3026G>A (p.Gly1009Asp)

Gene: FANCA (FA complementation group A; minus strand). Cytogenetic location: 16q24.3.
Variant type: single nucleotide variant.
Coding change: c.3026G>A on transcript NM_000135.4 (MANE Select); coding-DNA position 3026, G replaced by A.
Protein change: p.Gly1009Asp; replaces glycine 1009 with aspartic acid.
Molecular consequence: missense variant.
Genome position (GRCh38, 1-based): chr16:89,752,178, C>T on the plus strand (G>A on the coding strand, the complement: FANCA is on the minus strand). VCF-style: chr16-89752178-C-T. GRCh37 (hg19) VCF-style: chr16-89818586-C-T.
Other names: c.3026G>A, p.Gly1009Asp (NM_001286167.3); short protein forms G1009D.
Identifiers: ClinVar variation 5003535 (VCV005003535.1).
Genomic context (GRCh38, chr16:89,752,178, plus strand): 5'-TGTGGCACCCTCAAACTCACCTGCAATCTGGAAATAATATCCTCATTTCCTGTGCGGCCA[C>T]CAAAGACCAAATCAGAATTTTCTGAGTGGTCATAACTCCTTGAGCTGAAATGAAAATACA-3'
Protein context (NP_000126.2, residues 999-1019): DHSENSDLVF[Gly1009Asp]GRTGNEDIIS